The following is an entry in ClinVar:

NM_000152.5(GAA):c.-116C>T

Gene: GAA (alpha glucosidase; plus strand). Cytogenetic location: 17q25.3.
Variant type: single nucleotide variant.
Coding change: c.-116C>T on transcript NM_000152.5 (MANE Select); 116 bases upstream of the start codon, C replaced by T.
Molecular consequence: 5 prime UTR variant. On other transcripts: intron variant (2).
Genome position (GRCh38, 1-based): chr17:80,101,807, C>T. VCF-style: chr17-80101807-C-T. GRCh37 (hg19) VCF-style: chr17-78075606-C-T.
Other names: c.-112-4C>T (NM_001079803.3); c.-33+182C>T (NM_001079804.3); c.-116C>T (LRG_673t1).
Identifiers: ClinVar variation 384414 (VCV000384414.6), dbSNP rs190152638, ClinGen allele CA16608674.

ClinVar aggregate classification (germline): Conflicting classifications of pathogenicity. Review status: criteria provided, conflicting classifications (1 of 4 stars). 2 submissions from 2 submitters: Uncertain significance (1); Likely benign (1). Last evaluated 2021-05-13.

Conditions:
Glycogen storage disease, type II (IOPD). Also called: Glucosidase acid-1,4-alpha deficiency; Pompe Disease; POMPE DISEASE, INFANTILE-ONSET; GLYCOGEN STORAGE DISEASE II, INFANTILE-ONSET; ACID ALPHA-GLUCOSIDASE DEFICIENCY, INFANTILE-ONSET; GAA DEFICIENCY, INFANTILE-ONSET. Identifiers: Orphanet 365, MedGen C0017921, MONDO:0009290, OMIM 232300.

Allele frequency attached by ClinVar (database versions not stated): gnomAD 0.00143 and 0.00153; TOPMed 0.00173; 1000 Genomes Project 0.00180; 1000 Genomes Project 30x 0.00203.

Submissions (2):

Illumina Laboratory Services, Illumina
Classification: Uncertain significance for Glycogen storage disease, type II. Last evaluated: 2021-05-13. Review status: criteria provided, single submitter. Criteria: ICSLVariantClassificationCriteria RUGD 01 April 2020. Collection method: clinical testing. Allele origin: unknown.
Comment: The GAA c.-116C>T variant occurs in the 5' untranslated region. A literature search was performed for the gene and cDNA change. No publications were found based on this search. This variant is reported at a frequency of 0.004598 in the African/African American population of the Genome Aggregation Database (version 2.1.1). Based on the limited evidence, the c.-116C>T variant is classified as a variant of uncertain significance for glycogen storage disease type II.

GeneDx
Classification: Likely benign. Last evaluated: 2018-05-03. Review status: criteria provided, single submitter. Criteria: GeneDx Variant Classification Process June 2021. Collection method: clinical testing. Allele origin: germline. Affected: yes.